The following is an entry in ClinVar:

ClinVar aggregate classification (germline): Uncertain significance (1 of 4 stars; one submission).

gnomAD v4.1: 1 of 1,614,214 alleles (0.000062%); highest among the groups gnomAD compares: South Asian, 0.0011%; no homozygotes.

Submission:

GeneDx
Classification: Uncertain significance. Last evaluated: 2025-03-04. Review status: criteria provided, single submitter. Criteria: GeneDx Variant Classification Process June 2021. Collection method: clinical testing. Allele origin: germline. Affected: yes.
Comment: Not observed at significant frequency in large population cohorts (gnomAD); In silico analysis supports that this missense variant has a deleterious effect on protein structure/function; Has not been previously published as pathogenic or benign to our knowledge

NM_000083.3(CLCN1):c.596G>T (p.Arg199Leu)

Gene: CLCN1 (chloride voltage-gated channel 1; plus strand). Cytogenetic location: 7q34.
Variant type: single nucleotide variant.
Coding change: c.596G>T on transcript NM_000083.3 (MANE Select); coding-DNA position 596, G replaced by T.
Protein change: p.Arg199Leu; replaces arginine 199 with leucine.
Molecular consequence: missense variant. On other transcripts: non-coding transcript variant (1).
Genome position (GRCh38, 1-based): chr7:143,321,748, G>T. VCF-style: chr7-143321748-G-T. GRCh37 (hg19) VCF-style: chr7-143018841-G-T.
Other names: short protein forms R199L.
Identifiers: ClinVar variation 4082895 (VCV004082895.1).
Genomic context (GRCh38, chr7:143,321,748, plus strand): 5'-CTGCACATAATCTTTCAACGCTTTTAGGCTCTGGAATCCCCGAAATGAAGACAATACTTC[G>T]TGGGGTTGTCCTGAAGGAATACCTCACAATGAAAGCCTTTGTGGCCAAGGTTGTCGCCCT-3'
Protein context (NP_000074.3, residues 189-209): SGIPEMKTIL[Arg199Leu]GVVLKEYLTM